The following is an entry in ClinVar:

ClinVar aggregate classification (germline): Conflicting classifications of pathogenicity. Review status: criteria provided, conflicting classifications (1 of 4 stars). 4 submissions from 4 submitters: Uncertain significance (3); Likely benign (1). Last evaluated 2025-12-20.

Conditions:
Hereditary breast ovarian cancer syndrome. Also called: BRCA1- and BRCA2-Associated Hereditary Breast and Ovarian Cancer; Hereditary breast and ovarian cancer syndrome; Hereditary breast and ovarian cancer; Hereditary breast and ovarian cancer syndrome (HBOC); Hereditary breast and/or ovarian cancer syndrome; Breast and ovarian cancer. Identifiers: Orphanet 145, MedGen C0677776, MeSH D061325, MONDO:0003582. Disease mechanism: loss of function.
Hereditary cancer-predisposing syndrome. Also called: Hereditary neoplastic syndrome; Neoplastic Syndromes, Hereditary; Tumor predisposition; Hereditary Cancer Syndrome. Identifiers: Orphanet 140162, MedGen C0027672, MeSH D009386, MONDO:0015356.

Submissions (4):

Labcorp Genetics (formerly Invitae), Labcorp
Classification: Uncertain significance for Hereditary breast ovarian cancer syndrome. Last evaluated: 2025-12-20. Review status: criteria provided, single submitter. Criteria: Invitae Variant Classification Sherloc (09022015). Collection method: clinical testing. Allele origin: germline.
Comment: This sequence change replaces proline, which is neutral and non-polar, with threonine, which is neutral and polar, at codon 655 of the BRCA2 protein (p.Pro655Thr). This variant is not present in population databases (gnomAD no frequency). This variant has not been reported in the literature in individuals affected with BRCA2-related conditions. ClinVar contains an entry for this variant (Variation ID: 560762). Invitae Evidence Modeling of protein sequence and biophysical properties (such as structural, functional, and spatial information, amino acid conservation, physicochemical variation, residue mobility, and thermodynamic stability) indicates that this missense variant is not expected to disrupt BRCA2 protein function with a negative predictive value of 95%. In summary, the available evidence is currently insufficient to determine the role of this variant in disease. Therefore, it has been classified as a Variant of Uncertain Significance.

Ambry Genetics
Classification: Uncertain significance for Hereditary cancer-predisposing syndrome. Last evaluated: 2025-05-24. Review status: criteria provided, single submitter. Criteria: Ambry Variant Classification Scheme 2023. Collection method: clinical testing. Allele origin: germline.
Comment: The p.P655T variant (also known as c.1963C>A), located in coding exon 10 of the BRCA2 gene, results from a C to A substitution at nucleotide position 1963. The proline at codon 655 is replaced by threonine, an amino acid with highly similar properties. This amino acid position is not well conserved in available vertebrate species. In addition, this alteration is predicted to be tolerated by in silico analysis. Since supporting evidence is limited at this time, the clinical significance of this alteration remains unclear.

University of Washington Department of Laboratory Medicine, University of Washington
Classification: Likely benign for Hereditary cancer-predisposing syndrome. Last evaluated: 2023-03-23. Review status: criteria provided, single submitter. Criteria: Dines et al. (Genet Med. 2020). Collection method: curation. Allele origin: germline.
Comment: Missense variant in a coldspot region where missense variants are very unlikely to be pathogenic (PMID:31911673).

BRCA2 exon 11 coldspot. Reclassification based on statistical prior probability.

PreventionGenetics, part of Exact Sciences
Classification: Uncertain significance. Last evaluated: 2017-03-21. Review status: criteria provided, single submitter. Criteria: ACMG Guidelines, 2015. Collection method: clinical testing. Allele origin: germline.

NM_000059.4(BRCA2):c.1963C>A (p.Pro655Thr)

Gene: BRCA2 (BRCA2 DNA repair associated; plus strand). Cytogenetic location: 13q13.1.
Variant type: single nucleotide variant.
Coding change: c.1963C>A on transcript NM_000059.4 (MANE Select); coding-DNA position 1963, C replaced by A.
Protein change: p.Pro655Thr; replaces proline 655 with threonine.
Molecular consequence: missense variant.
Genome position (GRCh38, 1-based): chr13:32,336,318, C>A. VCF-style: chr13-32336318-C-A. GRCh37 (hg19) VCF-style: chr13-32910455-C-A.
Other names: short protein forms P655T.
Identifiers: ClinVar variation 560762 (VCV000560762.9), dbSNP rs1566225847, ClinGen allele CA387768498.